The following is an entry in ClinVar:

NM_020442.6(VARS2):c.2704C>T (p.Arg902Cys)

Gene: VARS2 (valyl-tRNA synthetase 2, mitochondrial; plus strand). Cytogenetic location: 6p21.33.
Variant type: single nucleotide variant.
Coding change: c.2704C>T on transcript NM_020442.6 (MANE Select); coding-DNA position 2704, C replaced by T.
Protein change: p.Arg902Cys; replaces arginine 902 with cysteine.
Molecular consequence: missense variant.
Genome position (GRCh38, 1-based): chr6:30,925,304, C>T. VCF-style: chr6-30925304-C-T. GRCh37 (hg19) VCF-style: chr6-30893081-C-T.
Other names: c.2284C>T, p.Arg762Cys (NM_001167733.3); c.2794C>T, p.Arg932Cys (NM_001167734.2); c.2794C>T (NM_001167734.1); short protein forms R762C, R902C, R932C.
Identifiers: ClinVar variation 1601009 (VCV001601009.33), dbSNP rs148172787, ClinGen allele CA3706357.

ClinVar aggregate classification (germline): Benign/Likely benign. Review status: criteria provided, multiple submitters, no conflicts (2 of 4 stars). 4 submissions from 4 submitters: Benign (1); Likely benign (2). 1 of the submissions does not count toward it. Last evaluated 2025-12-27.

Conditions:
VARS2-related disorder. Also called: VARS2-related disorders; VARS2-related condition.
Inborn genetic diseases. Identifiers: MedGen C0950123, MeSH D030342.

Allele frequency attached by ClinVar (database versions not stated): gnomAD 0.00020 and 0.00040; TOPMed 0.00029; gnomAD exomes 0.00063 and 0.00075; ExAC 0.00085; 1000 Genomes Project 30x 0.00125; 1000 Genomes Project 0.00140.

Submissions (4):

Labcorp Genetics (formerly Invitae), Labcorp
Classification: Benign. Last evaluated: 2025-12-27. Review status: criteria provided, single submitter. Criteria: Invitae Variant Classification Sherloc (09022015). Collection method: clinical testing. Allele origin: germline.

Ambry Genetics
Classification: Likely benign for Inborn genetic diseases. Last evaluated: 2025-05-28. Review status: criteria provided, single submitter. Criteria: Ambry Variant Classification Scheme 2023. Collection method: clinical testing. Allele origin: germline.

CeGaT Center for Human Genetics Tuebingen
Classification: Likely benign. Last evaluated: 2024-02-01. Review status: criteria provided, single submitter. Criteria: CeGaT Center For Human Genetics Tuebingen Variant Classification Criteria Version 2. Collection method: clinical testing. Allele origin: germline. Affected: yes. Observed: 2 variant alleles.
Comment: VARS2: BP4, BS2

PreventionGenetics, part of Exact Sciences
Classification: Likely benign for VARS2-related condition. Last evaluated: 2022-10-31. Review status: no assertion criteria provided. Collection method: clinical testing. Allele origin: germline. Not counted in ClinVar's aggregate classification.
Comment: This variant is classified as likely benign based on ACMG/AMP sequence variant interpretation guidelines (Richards et al. 2015 PMID: 25741868, with internal and published modifications).